The following is an entry in ClinVar:

NM_001277115.2(DNAH11):c.2196A>G (p.Lys732=)

Gene: DNAH11 (dynein axonemal heavy chain 11; plus strand). Cytogenetic location: 7p15.3.
Variant type: single nucleotide variant.
Coding change: c.2196A>G on transcript NM_001277115.2 (MANE Select); coding-DNA position 2196, A replaced by G.
Protein change: p.Lys732=; no amino-acid change (lysine 732 retained).
Molecular consequence: synonymous variant.
Genome position (GRCh38, 1-based): chr7:21,590,944, A>G. VCF-style: chr7-21590944-A-G. GRCh37 (hg19) VCF-style: chr7-21630562-A-G.
Identifiers: ClinVar variation 910018 (VCV000910018.10), dbSNP rs757207387, ClinGen allele CA4179264.

ClinVar aggregate classification (germline): Conflicting classifications of pathogenicity. Review status: criteria provided, conflicting classifications (1 of 4 stars). 5 submissions from 5 submitters: Uncertain significance (1); Benign (1); Likely benign (3). Last evaluated 2025-09-15.

Conditions:
Primary ciliary dyskinesia. Also called: Ciliary dyskinesia. Identifiers: Orphanet 244, MedGen C0008780, MONDO:0016575, HP:0012265.
DNAH11-related disorder. Also called: DNAH11-related condition.
Primary ciliary dyskinesia 7. Also called: CILIARY DYSKINESIA, PRIMARY, 7, WITH OR WITHOUT SITUS INVERSUS. Identifiers: Orphanet 244, MedGen C2678473, MONDO:0012748, OMIM 611884.

Allele frequency attached by ClinVar (database versions not stated): gnomAD 0.00001; gnomAD exomes 0.00003 and 0.00005; TOPMed 0.00004; ExAC 0.00012.
gnomAD v4.1: 37 of 1,494,744 alleles (0.0025%); highest among the groups gnomAD compares: East Asian, 0.093%; no homozygotes.

Submissions (5):

Labcorp Genetics (formerly Invitae), Labcorp
Classification: Benign for Primary ciliary dyskinesia. Last evaluated: 2025-09-15. Review status: criteria provided, single submitter. Criteria: Invitae Variant Classification Sherloc (09022015). Collection method: clinical testing. Allele origin: germline.

Ambry Genetics
Classification: Likely benign for Primary ciliary dyskinesia. Last evaluated: 2025-05-30. Review status: criteria provided, single submitter. Criteria: Ambry Variant Classification Scheme 2023. Collection method: clinical testing. Allele origin: germline.

PreventionGenetics, part of Exact Sciences
Classification: Likely benign for DNAH11-related condition. Last evaluated: 2025-05-04. Review status: criteria provided, single submitter. Criteria: ACMG Guidelines, 2015. Collection method: clinical testing. Allele origin: germline.
Comment: This variant is classified as likely benign based on ACMG/AMP sequence variant interpretation guidelines (Richards et al. 2015 PMID: 25741868, with internal and published modifications).

Blueprint Genetics
Classification: Likely benign. Last evaluated: 2021-11-16. Review status: criteria provided, single submitter. Criteria: ACMG Guidelines, 2015. Collection method: clinical testing. Allele origin: germline.

Illumina Laboratory Services, Illumina
Classification: Uncertain significance for Primary ciliary dyskinesia 7. Last evaluated: 2018-01-13. Review status: criteria provided, single submitter. Criteria: ICSL Variant Classification Criteria 13 December 2019. Collection method: clinical testing. Allele origin: germline.